The following is an entry in ClinVar:

ClinVar aggregate classification (germline): Conflicting classifications of pathogenicity. Review status: criteria provided, conflicting classifications (1 of 4 stars). 5 submissions from 5 submitters: Uncertain significance (4); Likely benign (1). Last evaluated 2026-01-22.

Conditions:
CDKN1B-related disorder. Also called: CDKN1B-related condition.
Hereditary cancer-predisposing syndrome. Also called: Neoplastic Syndromes, Hereditary; Tumor predisposition; Hereditary Cancer Syndrome; Hereditary neoplastic syndrome. Identifiers: Orphanet 140162, MedGen C0027672, MeSH D009386, MONDO:0015356.
Multiple endocrine neoplasia type 4. Also called: MULTIPLE ENDOCRINE NEOPLASIA, TYPE IV. Identifiers: Orphanet 276152, MedGen C1970712, MONDO:0012552, OMIM 610755.

Allele frequency attached by ClinVar (database versions not stated): gnomAD 0.00001; gnomAD exomes 0.00001; ExAC 0.00002; TOPMed 0.00002; ESP Exome Variant Server 0.00008.
gnomAD v4.1: 22 of 1,613,904 alleles (0.0014%); highest among the groups gnomAD compares: Non-Finnish European, 0.0019%; no homozygotes.

Submissions (5):

Labcorp Genetics (formerly Invitae), Labcorp
Classification: Uncertain significance for Multiple endocrine neoplasia type 4. Last evaluated: 2026-01-22. Review status: criteria provided, single submitter. Criteria: Invitae Variant Classification Sherloc (09022015). Collection method: clinical testing. Allele origin: germline.
Comment: This sequence change replaces glutamine, which is neutral and polar, with lysine, which is basic and polar, at codon 197 of the CDKN1B protein (p.Gln197Lys). This variant is present in population databases (rs375717769, gnomAD 0.003%). This variant has not been reported in the literature in individuals affected with CDKN1B-related conditions. ClinVar contains an entry for this variant (Variation ID: 404275). An algorithm developed to predict the effect of missense changes on protein structure and function (PolyPhen-2) suggests that this variant is likely to be disruptive. In summary, the available evidence is currently insufficient to determine the role of this variant in disease. Therefore, it has been classified as a Variant of Uncertain Significance.

PreventionGenetics, part of Exact Sciences
Classification: Uncertain significance for CDKN1B-related condition. Last evaluated: 2025-11-24. Review status: criteria provided, single submitter. Criteria: ACMG Guidelines, 2015. Collection method: clinical testing. Allele origin: germline.
Comment: The CDKN1B c.589C>A variant is predicted to result in the amino acid substitution p.Gln197Lys. To our knowledge, this variant has not been reported in the literature. This variant is reported in 0.0026% of alleles in individuals of European (Non-Finnish) descent in gnomAD and has conflicting interpretations of pathogenicity in ClinVar of uncertain significance and likely benign (Variation ID: 404275). At this time, the clinical significance of this variant is uncertain due to the absence of conclusive functional and genetic evidence.

Ambry Genetics
Classification: Likely benign for Hereditary cancer-predisposing syndrome. Last evaluated: 2024-05-08. Review status: criteria provided, single submitter. Criteria: Ambry Variant Classification Scheme 2023. Collection method: clinical testing. Allele origin: germline.

GeneDx
Classification: Uncertain significance. Last evaluated: 2024-01-04. Review status: criteria provided, single submitter. Criteria: GeneDx Variant Classification Process June 2021. Collection method: clinical testing. Allele origin: germline. Affected: yes.
Comment: Not observed at significant frequency in large population cohorts (gnomAD); In silico analysis supports that this missense variant does not alter protein structure/function; Has not been previously published as pathogenic or benign to our knowledge

Baylor Genetics
Classification: Uncertain significance for Multiple endocrine neoplasia type 4. Last evaluated: 2023-07-03. Review status: criteria provided, single submitter. Criteria: ACMG Guidelines, 2015. Collection method: clinical testing. Allele origin: unknown.

NM_004064.5(CDKN1B):c.589C>A (p.Gln197Lys)

Gene: CDKN1B (cyclin dependent kinase inhibitor 1B; plus strand). Cytogenetic location: 12p13.1.
Variant type: single nucleotide variant.
Coding change: c.589C>A on transcript NM_004064.5 (MANE Select); coding-DNA position 589, C replaced by A.
Protein change: p.Gln197Lys; replaces glutamine 197 with lysine.
Molecular consequence: missense variant.
Genome position (GRCh38, 1-based): chr12:12,718,938, C>A. VCF-style: chr12-12718938-C-A. GRCh37 (hg19) VCF-style: chr12-12871872-C-A.
Other names: short protein forms Q197K.
Identifiers: ClinVar variation 404275 (VCV000404275.20), dbSNP rs375717769, ClinGen allele CA6457577.